The following is an entry in ClinVar:

ClinVar aggregate classification (germline): Uncertain significance (1 of 4 stars; one submission).

Allele frequency attached by ClinVar (database versions not stated): ExAC 0.00001; TOPMed 0.00003; gnomAD 0.00008.
gnomAD v4.1: 23 of 1,613,396 alleles (0.0014%); highest among the groups gnomAD compares: African/African-American, 0.025%; no homozygotes.

Submission:

Labcorp Genetics (formerly Invitae), Labcorp
Classification: Uncertain significance. Last evaluated: 2022-08-22. Review status: criteria provided, single submitter. Criteria: Invitae Variant Classification Sherloc (09022015). Collection method: clinical testing. Allele origin: germline.
Comment: Algorithms developed to predict the effect of missense changes on protein structure and function are either unavailable or do not agree on the potential impact of this missense change (SIFT: "Not Available"; PolyPhen-2: "Benign"; Align-GVGD: "Not Available"). Algorithms developed to predict the effect of sequence changes on RNA splicing suggest that this variant may create or strengthen a splice site. In summary, the available evidence is currently insufficient to determine the role of this variant in disease. Therefore, it has been classified as a Variant of Uncertain Significance. This variant has not been reported in the literature in individuals affected with POLR1A-related conditions. This sequence change replaces glutamine, which is neutral and polar, with arginine, which is basic and polar, at codon 249 of the POLR1A protein (p.Gln249Arg). This variant is present in population databases (rs200199996, gnomAD 0.04%).

NM_015425.6(POLR1A):c.746A>G (p.Gln249Arg)

Gene: POLR1A (RNA polymerase I subunit A; minus strand). Cytogenetic location: 2p11.2.
Variant type: single nucleotide variant.
Coding change: c.746A>G on transcript NM_015425.6 (MANE Select); coding-DNA position 746, A replaced by G.
Protein change: p.Gln249Arg; replaces glutamine 249 with arginine.
Molecular consequence: missense variant.
Genome position (GRCh38, 1-based): chr2:86,083,153, T>C on the plus strand (A>G on the coding strand, the complement: POLR1A is on the minus strand). VCF-style: chr2-86083153-T-C. GRCh37 (hg19) VCF-style: chr2-86310276-T-C.
Other names: short protein forms Q249R.
Identifiers: ClinVar variation 1901912 (VCV001901912.5), dbSNP rs200199996, ClinGen allele CA1746541.